The following is an entry in ClinVar:

ClinVar aggregate classification (germline): Pathogenic/Likely pathogenic. Review status: criteria provided, multiple submitters, no conflicts (2 of 4 stars). 3 submissions from 3 submitters: Pathogenic (2); Likely pathogenic (1). Last evaluated 2023-12-20.

Submissions (3):

Mayo Clinic Laboratories, Mayo Clinic
Classification: Likely pathogenic. Last evaluated: 2023-12-20. Review status: criteria provided, single submitter. Criteria: ACMG Guidelines, 2015. Collection method: clinical testing. Allele origin: germline. Observed: 1 variant allele.
Comment: PM2_moderate, PVS1

Labcorp Genetics (formerly Invitae), Labcorp
Classification: Pathogenic. Last evaluated: 2022-09-08. Review status: criteria provided, single submitter. Criteria: Invitae Variant Classification Sherloc (09022015). Collection method: clinical testing. Allele origin: germline.
Comment: For these reasons, this variant has been classified as Pathogenic. ClinVar contains an entry for this variant (Variation ID: 993964). This variant has not been reported in the literature in individuals affected with SPTA1-related conditions. This variant is present in population databases (no rsID available, gnomAD 0.002%). This sequence change creates a premature translational stop signal (p.Leu2291*) in the SPTA1 gene. It is expected to result in an absent or disrupted protein product. Loss-of-function variants in SPTA1 are known to be pathogenic (PMID: 9192783, 18815189, 31333484, 31723846, 32266426).

ARUP Laboratories, Molecular Genetics and Genomics, ARUP Laboratories
Classification: Pathogenic. Last evaluated: 2020-08-31. Review status: criteria provided, single submitter. Criteria: ARUP Molecular Germline Variant Investigation Process. Collection method: clinical testing. Allele origin: germline.

Literature cited by the submitters: PubMed 9192783 (cited by Labcorp Genetics (formerly Invitae), Labcorp); PubMed 18815189 (cited by Labcorp Genetics (formerly Invitae), Labcorp); PubMed 31333484 (cited by Labcorp Genetics (formerly Invitae), Labcorp); PubMed 31723846 (cited by Labcorp Genetics (formerly Invitae), Labcorp); PubMed 32266426 (cited by Labcorp Genetics (formerly Invitae), Labcorp).

NM_003126.4(SPTA1):c.6871del (p.Arg2290_Leu2291insTer)

Gene: SPTA1 (spectrin alpha, erythrocytic 1; minus strand). Cytogenetic location: 1q23.1.
Variant type: Deletion.
Coding change: c.6871del on transcript NM_003126.4 (MANE Select); coding-DNA position 6871, one base deleted (C; older notation c.6871delC).
Protein change: p.Arg2290_Leu2291insTer.
Molecular consequence: nonsense.
Genome position (GRCh38, 1-based): chr1:158,613,839, G deleted on the plus strand (C on the coding strand, the reverse complement: SPTA1 is on the minus strand); the first of 2 consecutive G bases (chr1:158,613,839-158,613,840); deleting either gives the same sequence. VCF-style (leftmost placement, unchanged base first): chr1-158613838-AG-A. GRCh37 (hg19) VCF-style: chr1-158583628-AG-A.
Other names: p.Leu2291*.
Identifiers: ClinVar variation 993964 (VCV000993964.15), dbSNP rs1396249069, ClinGen allele CA526546908.